The following is an entry in ClinVar:

ClinVar aggregate classification (germline): Uncertain significance (1 of 4 stars; one submission).

Conditions:
Amyotrophic lateral sclerosis type 1 (ALS1). Also called: AMYOTROPHIC LATERAL SCLEROSIS 1, FAMILIAL. Identifiers: Orphanet 803, MedGen C1862939, MONDO:0007103, OMIM 105400.
Perry syndrome. Also called: PARKINSONISM WITH ALVEOLAR HYPOVENTILATION AND MENTAL DEPRESSION. Identifiers: Orphanet 178509, MedGen C1868594, MONDO:0008201, OMIM 168605.
Neuronopathy, distal hereditary motor, type 7B. Also called: HMN VIIB; Distal Hereditary Motor Neuronopathy Type 7B (dHMN7B); LOWER MOTOR NEURON DISEASE, DYNACTIN TYPE; NEURONOPATHY, DISTAL HEREDITARY MOTOR, AUTOSOMAL DOMINANT 14; NEURONOPATHY, DISTAL HEREDITARY MOTOR, HARDING TYPE VIIB; NEUROPATHY, DISTAL HEREDITARY MOTOR, HARDING TYPE VIIB. Identifiers: Orphanet 139589, MedGen C1843315, MONDO:0011879, OMIM 607641.

Allele frequency attached by ClinVar (database versions not stated): ExAC 0.00001; gnomAD 0.00001; gnomAD exomes 0.00001; TOPMed 0.00002; 1000 Genomes Project 30x 0.00016; 1000 Genomes Project 0.00020.
gnomAD v4.1: 10 of 1,614,160 alleles (0.00062%); highest among the groups gnomAD compares: Middle Eastern, 0.033%; no homozygotes.

Submission:

Labcorp Genetics (formerly Invitae), Labcorp
Classification: Uncertain significance for Amyotrophic lateral sclerosis type 1; Neuronopathy, distal hereditary motor, type 7B; Perry syndrome. Last evaluated: 2022-10-26. Review status: criteria provided, single submitter. Criteria: Invitae Variant Classification Sherloc (09022015). Collection method: clinical testing. Allele origin: germline.
Comment: This variant is present in population databases (rs184840910, gnomAD 0.007%). This sequence change replaces arginine, which is basic and polar, with tryptophan, which is neutral and slightly polar, at codon 495 of the DCTN1 protein (p.Arg495Trp). In summary, the available evidence is currently insufficient to determine the role of this variant in disease. Therefore, it has been classified as a Variant of Uncertain Significance. Advanced modeling of protein sequence and biophysical properties (such as structural, functional, and spatial information, amino acid conservation, physicochemical variation, residue mobility, and thermodynamic stability) performed at Invitae indicates that this missense variant is expected to disrupt DCTN1 protein function. ClinVar contains an entry for this variant (Variation ID: 1481752). This variant has not been reported in the literature in individuals affected with DCTN1-related conditions.

NM_004082.5(DCTN1):c.1483C>T (p.Arg495Trp)

Gene: DCTN1 (dynactin subunit 1; minus strand). Cytogenetic location: 2p13.1.
Variant type: single nucleotide variant.
Coding change: c.1483C>T on transcript NM_004082.5 (MANE Select); coding-DNA position 1483, C replaced by T.
Protein change: p.Arg495Trp; replaces arginine 495 with tryptophan.
Molecular consequence: missense variant. On other transcripts: non-coding transcript variant (1).
Genome position (GRCh38, 1-based): chr2:74,369,401, G>A on the plus strand (C>T on the coding strand, the complement: DCTN1 is on the minus strand). VCF-style: chr2-74369401-G-A. GRCh37 (hg19) VCF-style: chr2-74596528-G-A.
Other names: c.1423C>T, p.Arg475Trp (NM_001135040.3); c.1081C>T, p.Arg361Trp (NM_001135041.3, NM_023019.4); c.1372C>T, p.Arg458Trp (NM_001190836.2); c.1462C>T, p.Arg488Trp (NM_001190837.2); c.1432C>T, p.Arg478Trp (NM_001378991.1); c.1414C>T, p.Arg472Trp (NM_001378992.1); short protein forms R478W, R488W, R495W, R361W, R458W, R472W, R475W.
Identifiers: ClinVar variation 1481752 (VCV001481752.8), dbSNP rs184840910, ClinGen allele CA1722135.